The following is an entry in ClinVar:

NM_001080.3(ALDH5A1):c.1005C>A (p.Asn335Lys)

Gene: ALDH5A1 (aldehyde dehydrogenase 5 family member A1; plus strand). Cytogenetic location: 6p22.3.
Variant type: single nucleotide variant.
Coding change: c.1005C>A on transcript NM_001080.3 (MANE Select); coding-DNA position 1005, C replaced by A.
Protein change: p.Asn335Lys; replaces asparagine 335 with lysine.
Molecular consequence: missense variant.
Genome position (GRCh38, 1-based): chr6:24,520,535, C>A. VCF-style: chr6-24520535-C-A. GRCh37 (hg19) VCF-style: chr6-24520763-C-A.
Other names: c.861C>A, p.Asn287Lys (NM_001368954.1); c.1044C>A, p.Asn348Lys (NM_170740.1); short protein forms N287K, N335K, N348K.
Identifiers: ClinVar variation 1878474 (VCV001878474.4), dbSNP rs72552283, ClinGen allele CA136134666.

ClinVar aggregate classification (germline): Likely pathogenic (1 of 4 stars; one submission).

Conditions:
Succinate-semialdehyde dehydrogenase deficiency (SSADHD). Also called: Succinic Semialdehyde Dehydrogenase Deficiency; SSADH DEFICIENCY; 4-HYDROXYBUTYRIC ACIDURIA; GABA METABOLIC DEFECT. Identifiers: Orphanet 22, MedGen C0268631, MONDO:0010083, OMIM 271980.

Allele frequency attached by ClinVar (database versions not stated): gnomAD exomes 0.00001; TOPMed 0.00001.
gnomAD v4.1: 16 of 1,614,054 alleles (0.00099%); highest among the groups gnomAD compares: African/African-American, 0.0013%; no homozygotes.

Submission:

Elsea Laboratory, Baylor College of Medicine
Classification: Likely pathogenic for Succinate-semialdehyde dehydrogenase deficiency. Last evaluated: 2021-03-08. Review status: criteria provided, single submitter. Criteria: Martin et al. (J Child Neurol. 2021). Collection method: curation. Allele origin: germline. Affected: yes.
Comment: enzyme activity ~1%;catalytic domain

Literature cited by the submitters: PubMed 14635103; PubMed 33203024.